The following is an entry in ClinVar:

ClinVar aggregate classification (germline): Benign/Likely benign. Review status: criteria provided, multiple submitters, no conflicts (2 of 4 stars). 4 submissions from 4 submitters: Benign (1); Likely benign (3). Last evaluated 2026-01-25.

Conditions:
Peutz-Jeghers syndrome (PJS). Also called: POLYPOSIS, HAMARTOMATOUS INTESTINAL; POLYPS-AND-SPOTS SYNDROME; Peutz-Jeghers polyposis; Periorificial lentiginosis syndrome. Identifiers: Orphanet 2869, MedGen C0031269, MeSH D010580, MONDO:0008280, OMIM 175200.
Hereditary cancer-predisposing syndrome. Also called: Neoplastic Syndromes, Hereditary; Hereditary neoplastic syndrome; Tumor predisposition; Hereditary Cancer Syndrome. Identifiers: Orphanet 140162, MedGen C0027672, MeSH D009386, MONDO:0015356.

Submissions (4):

Labcorp Genetics (formerly Invitae), Labcorp
Classification: Likely benign for Peutz-Jeghers syndrome. Last evaluated: 2026-01-25. Review status: criteria provided, single submitter. Criteria: Invitae Variant Classification Sherloc (09022015). Collection method: clinical testing. Allele origin: germline.

Myriad Genetics, Inc.
Classification: Benign for Peutz-Jeghers syndrome. Last evaluated: 2025-03-27. Review status: criteria provided, single submitter. Criteria: Myriad Autosomal Dominant, Autosomal Recessive and X-Linked Classification Criteria (2023). Collection method: clinical testing. Allele origin: unknown.
Comment: This variant is considered benign. This variant is a silent/synonymous amino acid change and it is not expected to impact splicing.

Ambry Genetics
Classification: Likely benign for Hereditary cancer-predisposing syndrome. Last evaluated: 2019-07-27. Review status: criteria provided, single submitter. Criteria: Ambry Variant Classification Scheme 2023. Collection method: clinical testing. Allele origin: germline.

GeneDx
Classification: Likely benign. Last evaluated: 2016-08-19. Review status: criteria provided, single submitter. Criteria: GeneDx Variant Classification (06012015). Collection method: clinical testing. Allele origin: germline. Affected: yes.
Comment: This variant is considered likely benign or benign based on one or more of the following criteria: it is a conservative change, it occurs at a poorly conserved position in the protein, it is predicted to be benign by multiple in silico algorithms, and/or has population frequency not consistent with disease.

NM_000455.5(STK11):c.807G>A (p.Lys269=)

Gene: STK11 (serine/threonine kinase 11; plus strand). Cytogenetic location: 19p13.3.
Variant type: single nucleotide variant.
Coding change: c.807G>A on transcript NM_000455.5 (MANE Select); coding-DNA position 807, G replaced by A.
Protein change: p.Lys269=; no amino-acid change (lysine 269 retained).
Molecular consequence: synonymous variant.
Genome position (GRCh38, 1-based): chr19:1,221,285, G>A. VCF-style: chr19-1221285-G-A. GRCh37 (hg19) VCF-style: chr19-1221284-G-A.
Identifiers: ClinVar variation 388552 (VCV000388552.14), dbSNP rs1057523146, ClinGen allele CA16608832.